The following is an entry in ClinVar:

ClinVar aggregate classification (germline): Uncertain significance. Review status: criteria provided, multiple submitters, no conflicts (2 of 4 stars). 4 submissions from 4 submitters: Uncertain significance (4). Last evaluated 2025-06-13.

Allele frequency attached by ClinVar (database versions not stated): gnomAD 0.00003 and below 0.00001; gnomAD exomes 0.00005 and 0.00008; ExAC 0.00011; 1000 Genomes Project 0.00020; 1000 Genomes Project 30x 0.00016.
gnomAD v4.1: 76 of 1,606,354 alleles (0.0047%); highest among the groups gnomAD compares: South Asian, 0.085%; 8 homozygotes.

Submissions (4):

ARUP Laboratories, Molecular Genetics and Genomics, ARUP Laboratories
Classification: Uncertain significance. Last evaluated: 2025-06-13. Review status: criteria provided, single submitter. Criteria: ARUP Molecular Germline Variant Investigation Process 2024. Collection method: clinical testing. Allele origin: germline.
Comment: The HBA2 c.326C>A; p.Thr109Asn variant (Hb Bleuland also known as Thr108Asn when numbered from the mature protein, rs63750010, HbVar ID: 2539) is reported in the literature in the heterozygous state in individuals with mild microcytic-hypochromic anemia (Hadavi 2009, Harteveld 2006, Tamaddoni 2009). This variant is also reported in ClinVar (Variation ID: 439114), and is found in the South Asian population with an allele frequency of 0.063% (19/30264 alleles, including a single homozygote) in the Genome Aggregation Database (v2.1.1). Computational analyses are uncertain whether this variant is neutral or deleterious (REVEL: 0.536). Due to limited information, the clinical significance of this variant is uncertain at this time. References: Link to HbVar database: Hadavi V et al. Alpha-thalassemia mutations in Gilan Province, North Iran. Hemoglobin. 2009;33(3):235-41. PMID: 19657838. Harteveld CL et al. Hb Bleuland (alpha108(G15)Thr-->Asn, ACC-->AAC (alpha2)): a new abnormal hemoglobin associated with a mild alpha-thalassemia phenotype. Hemoglobin. 2006;30(3):349-54. PMID: 16840225. Tamaddoni A et al. alpha-Thalassemia mutation analyses in Mazandaran province, North Iran. Hemoglobin. 2009;33(2):115-23. PMID: 19373587.

Quest Diagnostics Nichols Institute San Juan Capistrano
Classification: Uncertain significance. Last evaluated: 2024-10-21. Review status: criteria provided, single submitter. Criteria: Quest Diagnostics criteria. Collection method: clinical testing. Allele origin: unknown.
Comment: The HBA2 c.326C>A (p.Thr109Asn, also known as Hb Bleuland) variant has been reported in the published literature to be hyper unstable (PMID: 25730315 (2015)) and heterozygosity for this variant is associated with mild hemolytic anemia (PMID: 24200101 (2014)). Individuals heterozygous for this variant have a mild alpha-thalassemia phenotype (PMID: 16840225 (2006), 19373587 (2009)). The frequency of this variant in the general population, 0.00063 (19/30264 chromosomes (Genome Aggregation Database)), is uninformative in the assessment of its pathogenicity. Analysis of this variant using bioinformatics tools for the prediction of the effect of amino acid changes on protein structure and function yielded predictions that this variant is damaging. Based on the available information, we are unable to determine the clinical significance of this variant.

Women's Health and Genetics/Laboratory Corporation of America, LabCorp
Classification: Uncertain significance. Last evaluated: 2023-06-14. Review status: criteria provided, single submitter. Criteria: LabCorp Variant Classification Summary - May 2015. Collection method: clinical testing. Allele origin: germline.
Comment: Variant summary: HBA2 c.326C>A (p.Thr109Asn), also referred to as Hb Bleuland, results in a non-conservative amino acid change located in the globin domain (IPR000971) of the encoded protein sequence. Four of five in-silico tools predict a damaging effect of the variant on protein function. The variant allele was found at a frequency of 7.7e-05 in 247506 control chromosomes, predominantly at a frequency of 0.00063 within the South Asian subpopulation in the gnomAD database, including 1 homozygote. This frequency is not significantly higher than estimated for a pathogenic variant in HBA2 causing Alpha Thalassemia (7.7e-05 vs 0.0056), allowing no strong conclusion about variant significance. c.326C>A has been reported in the literature in the heterozygous state in at least two individuals affected with mild microcytic-hypochromic anemia (e.g. Harteveld_2006, Hadavi_2009, Tamaddoni_2009). These reports do not provide unequivocal conclusions about association of the variant with Alpha Thalassemia. A functional study examining the interaction between the variant and alpha-hemoglobin stabilizing protein found that the variant was recovered with the chaperone at a similar level as the WT protein, suggesting the interaction is normal (Vasseur_2009). However, this study does not address other potential mechanisms that may have an impact on protein stability and/or function and therefore does not allow convincing conclusions about the variant effect. The following publications have been ascertained in the context of this evaluation (PMID: 19657838, 16840225, 19373587, 19482015). Two clinical diagnostic laboratories have submitted clinical-significance assessments for this variant to ClinVar after 2014 and classified the variant as either likely pathogenic or uncertain significance. Based on the evidence outlined above, the variant was classified as uncertain significance.

Revvity Omics, Revvity
Classification: Uncertain significance. Last evaluated: 2020-12-04. Review status: criteria provided, single submitter. Criteria: ACMG Guidelines, 2015. Collection method: clinical testing. Allele origin: germline.

Literature cited by the submitters: PubMed 19482015 (cited by Quest Diagnostics Nichols Institute San Juan Capistrano and Women's Health and Genetics/Laboratory Corporation of America, LabCorp); PubMed 19373587 (cited by Quest Diagnostics Nichols Institute San Juan Capistrano and Women's Health and Genetics/Laboratory Corporation of America, LabCorp); PubMed 24200101 (cited by Quest Diagnostics Nichols Institute San Juan Capistrano); PubMed 16840225 (cited by Quest Diagnostics Nichols Institute San Juan Capistrano and Women's Health and Genetics/Laboratory Corporation of America, LabCorp); PubMed 21950764 (cited by Quest Diagnostics Nichols Institute San Juan Capistrano); PubMed 25730315 (cited by Quest Diagnostics Nichols Institute San Juan Capistrano); PubMed 19657838 (cited by Women's Health and Genetics/Laboratory Corporation of America, LabCorp).

NM_000517.6(HBA2):c.326C>A (p.Thr109Asn)

Genes: HBA2 (hemoglobin subunit alpha 2; plus strand), LOC106804612 (hemoglobin subunit alpha 2 recombination region; plus strand). Cytogenetic location: 16p13.3.
Variant type: single nucleotide variant.
Coding change: c.326C>A on transcript NM_000517.6 (MANE Select); coding-DNA position 326, C replaced by A.
Protein change: p.Thr109Asn; replaces threonine 109 with asparagine.
Molecular consequence: missense variant.
Genome position (GRCh38, 1-based): chr16:173,497, C>A. VCF-style: chr16-173497-C-A. GRCh37 (hg19) VCF-style: chr16-223496-C-A.
Other names: short protein forms T109N.
Identifiers: ClinVar variation 439114 (VCV000439114.9), dbSNP rs63750010, ClinGen allele CA7770175.